The following is an entry in ClinVar:

ClinVar aggregate classification (germline): Likely benign (1 of 4 stars; one submission).

Submission:

CeGaT Center for Human Genetics Tuebingen
Classification: Likely benign. Last evaluated: 2024-11-01. Review status: criteria provided, single submitter. Criteria: CeGaT Center For Human Genetics Tuebingen Variant Classification Criteria Version 2. Collection method: clinical testing. Allele origin: germline. Affected: yes. Observed: 1 variant allele.
Comment: MLX: PM2:Supporting, BP4, BP7

NM_198204.2(MLX):c.42+90G>T

Genes: MLX (MAX dimerization protein MLX; plus strand), LOC130060910 (ATAC-STARR-seq lymphoblastoid silent region 8537; plus strand). Cytogenetic location: 17q21.2.
Variant type: single nucleotide variant.
Coding change: c.42+90G>T on transcript NM_198204.2 (MANE Select); 90 bases into the intron after coding-DNA position 42, G replaced by T.
Molecular consequence: intron variant. On other transcripts: synonymous variant (1).
Genome position (GRCh38, 1-based): chr17:42,567,256, G>T. VCF-style: chr17-42567256-G-T. GRCh37 (hg19) VCF-style: chr17-40719274-G-T.
Other names: c.132G>T, p.Leu44= (NM_170607.3); c.42+90G>T (NM_198205.2).
Identifiers: ClinVar variation 3390157 (VCV003390157.14).